The following is an entry in ClinVar:

NM_001286.5(CLCN6):c.718_719del (p.Asp240fs)

Gene: CLCN6 (chloride voltage-gated channel 6; plus strand). Cytogenetic location: 1p36.22.
Variant type: Microsatellite.
Coding change: c.718_719del on transcript NM_001286.5 (MANE Select); coding-DNA positions 718 to 719, 2 bases deleted (GA; older notation c.718_719delGA).
Protein change: p.Asp240fs; shifts the reading frame from aspartic acid 240.
Molecular consequence: frameshift variant.
Genome position (GRCh38, 1-based): chr1:11,827,099-11,827,100, GA deleted; deleting any 2 consecutive bases within chr1:11,827,094-11,827,100 gives the same sequence; the c. name uses the placement nearest the transcript's 3' end. VCF-style (leftmost placement, unchanged base first): chr1-11827093-AAG-A. GRCh37 (hg19) VCF-style: chr1-11887150-AAG-A.
Other names: c.652_653del, p.Asp218fs (NM_001256959.2); short protein forms D218fs, D240fs.
Identifiers: ClinVar variation 2811588 (VCV002811588.3), dbSNP rs2523121033, ClinGen allele CA2739272290.

ClinVar aggregate classification (germline): Uncertain significance (1 of 4 stars; one submission).

Submission:

Labcorp Genetics (formerly Invitae), Labcorp
Classification: Uncertain significance. Last evaluated: 2024-05-29. Review status: criteria provided, single submitter. Criteria: Invitae Variant Classification Sherloc (09022015). Collection method: clinical testing. Allele origin: germline.
Comment: This sequence change creates a premature translational stop signal (p.Asp240Leufs*78) in the CLCN6 gene. It is expected to result in an absent or disrupted protein product. However, the current clinical and genetic evidence is not sufficient to establish whether loss-of-function variants in CLCN6 cause disease. This variant is not present in population databases (gnomAD no frequency). This variant has not been reported in the literature in individuals affected with CLCN6-related conditions. In summary, the available evidence is currently insufficient to determine the role of this variant in disease. Therefore, it has been classified as a Variant of Uncertain Significance.